The following is an entry in ClinVar:

ClinVar aggregate classification (germline): Pathogenic; drug response. Review status: reviewed by expert panel (3 of 4 stars). 10 submissions from 4 submitters: Pathogenic (1). 2 of the submissions do not count toward it. Last evaluated 2021-03-24.

Conditions:
Malignant hyperthermia, susceptibility to, 1 (MHS1). Also called: Malignant hyperthermia suceptibility 1; Anesthesia related hyperthermia; Malignant hyperpyrexia; Fulminating hyperpyrexia; Pharmacogenic myopathy; RYR1-Related Malignant Hyperthermia Susceptibility. Identifiers: Orphanet 423, MedGen C2930980, MONDO:0007783, OMIM 145600.
desflurane response - Toxicity.
succinylcholine response - Toxicity.
sevoflurane response - Toxicity.
methoxyflurane response - Toxicity.
isoflurane response - Toxicity.
halothane response - Toxicity.
enflurane response - Toxicity.

Submissions (10):

ClinPGx
Classification: drug response for desflurane response - Toxicity. Last evaluated: 2021-03-24. Review status: reviewed by expert panel. Criteria: Pharmacogenomics knowledge for personalized medicine. Collection method: curation. Allele origin: germline. Affected: yes.
Comment: PharmGKB Level of Evidence 1A: Level 1A clinical annotations describe variant-drug combinations that have variant-specific prescribing guidance available in a current clinical guideline annotation or an FDA-approved drug label annotation. Annotations of drug labels or clinical guidelines must give prescribing guidance for specific variants (e.g. CYP2C9*3, HLA-B*57:01) or provide mapping from defined allele functions to diplotypes and phenotypes to be used as supporting evidence for a level 1A clinical annotation. Level 1A clinical annotations must also be supported by at least one publication in addition to a clinical guideline or drug label with variant-specific prescribing guidance.

Drug is not necessarily used to treat response condition

ClinPGx
Classification: drug response for enflurane response - Toxicity. Last evaluated: 2021-03-24. Review status: reviewed by expert panel. Criteria: Pharmacogenomics knowledge for personalized medicine. Collection method: curation. Allele origin: germline. Affected: yes.
Comment: the same text as in the submission from ClinPGx above.

ClinPGx
Classification: drug response for halothane response - Toxicity. Last evaluated: 2021-03-24. Review status: reviewed by expert panel. Criteria: Pharmacogenomics knowledge for personalized medicine. Collection method: curation. Allele origin: germline. Affected: yes.
Comment: the same text as in the submission from ClinPGx above.

ClinPGx
Classification: drug response for isoflurane response - Toxicity. Last evaluated: 2021-03-24. Review status: reviewed by expert panel. Criteria: Pharmacogenomics knowledge for personalized medicine. Collection method: curation. Allele origin: germline. Affected: yes.
Comment: the same text as in the submission from ClinPGx above.

ClinPGx
Classification: drug response for methoxyflurane response - Toxicity. Last evaluated: 2021-03-24. Review status: reviewed by expert panel. Criteria: Pharmacogenomics knowledge for personalized medicine. Collection method: curation. Allele origin: germline. Affected: yes.
Comment: the same text as in the submission from ClinPGx above.

ClinPGx
Classification: drug response for sevoflurane response - Toxicity. Last evaluated: 2021-03-24. Review status: reviewed by expert panel. Criteria: Pharmacogenomics knowledge for personalized medicine. Collection method: curation. Allele origin: germline. Affected: yes.
Comment: the same text as in the submission from ClinPGx above.

ClinPGx
Classification: drug response for succinylcholine response - Toxicity. Last evaluated: 2021-03-24. Review status: reviewed by expert panel. Criteria: Pharmacogenomics knowledge for personalized medicine. Collection method: curation. Allele origin: germline. Affected: yes.
Comment: the same text as in the submission from ClinPGx above.

ClinGen Malignant Hyperthermia Susceptibility Variant Curation Expert Panel, ClinGen
Classification: Pathogenic for Malignant hyperthermia, susceptibility to, 1. Last evaluated: 2021-03-18. Review status: reviewed by expert panel. Criteria: ClinGen MHS ACMG Specifications V1. Collection method: curation. Allele origin: germline. Inheritance: Autosomal dominant inheritance. Study: ClinGen.
Comment: This pathogenicity assessment is relevant only for malignant hyperthermia susceptibility (MHS) inherited in an autosomal dominant pattern. Variants in RYR1 can also cause other myopathies inherited in an autosomal dominant pattern or in an autosomal recessive pattern. Some of these disorders may predispose individuals to malignant hyperthermia. RYR1 variants may also contribute to a malignant hyperthermia reaction in combination with other genetic and non-genetic factors and the clinician needs to consider such factors in making management decisions. This sequence variant predicts a substitution of tyrosine with serine at codon 522 of the RYR1 protein, p.(Tyr522Ser). The maximum allele frequency for this variant among the six major gnomAD populations is EAS: 0.00005, a frequency consistent with pathogenicity for MHS. This variant has been reported in two unrelated individuals who have a personal or family history of a malignant hyperthermia reaction, one of these individuals had a positive in vitro contracture test (IVCT) or caffeine halothane contracture test (CHCT) result (if the proband was unavailable for testing, a positive diagnostic test result in a mutation-positive relative was counted), PS4_Supporting (PMID:7829078, PMID:19020143). Functional studies in HEK293 cells show an increased sensitivity to RYR1 agonists. A knock-in mouse model supports pathogenicity of this variant demonstrating a malignant hyperthermia reaction in response to agonist, as well ex vivo studies showed increased response to agonist with increased calcium release, PS3 (PMID:31607937, PMID:9334205).This variant resides in a region of RYR1 considered to be a hotspot for pathogenic variants that contribute to MHS, PM1 (PMID: 21118704). This variant segregates with MHS in three individuals, PP1 ( PMID:7829078). A REVEL score >0.85 supports a pathogenic status for this variant, PP3_Moderate. This variant has been classified as Pathogenic. Criteria implemented: PS4_Supporting, PS3, PM1, PP1, PP3_Moderate.

OMIM
Classification: risk factor for MALIGNANT HYPERTHERMIA, SUSCEPTIBILITY TO, 1. Last evaluated: 1994-09-01. Review status: no assertion criteria provided. Collection method: literature only. Allele origin: germline. Not counted in ClinVar's aggregate classification.

RYR1 database
No classification provided. Review status: no classification provided. Collection method: not provided. Allele origin: unknown. Not counted in ClinVar's aggregate classification.

Literature cited by the submitters: PubMed 16163667 (cited by ClinPGx); PubMed 16284304 (cited by ClinPGx); PubMed 19020143 (cited by ClinPGx); PubMed 7829078 (cited by ClinPGx and OMIM).

NM_000540.3(RYR1):c.1565A>C (p.Tyr522Ser)

Gene: RYR1 (ryanodine receptor 1; plus strand). Cytogenetic location: 19q13.2.
Variant type: single nucleotide variant.
Coding change: c.1565A>C on transcript NM_000540.3 (MANE Select); coding-DNA position 1565, A replaced by C.
Protein change: p.Tyr522Ser; replaces tyrosine 522 with serine.
Molecular consequence: missense variant.
Genome position (GRCh38, 1-based): chr19:38,455,359, A>C. VCF-style: chr19-38455359-A-C. GRCh37 (hg19) VCF-style: chr19-38945999-A-C.
Other names: NM_000540.3(RYR1):c.1565A>C; c.1565A>C, p.Tyr522Ser (NM_001042723.2); short protein forms Y522S.
Identifiers: ClinVar variation 12993 (VCV000012993.7), dbSNP rs118192162, ClinGen allele CA024286.